The following is an entry in ClinVar:

ClinVar aggregate classification (germline): Uncertain significance (1 of 4 stars; one submission).

Allele frequency attached by ClinVar (database versions not stated): gnomAD exomes 0.00001; TOPMed 0.00001; ExAC 0.00002.
gnomAD v4.1: 13 of 1,566,000 alleles (0.00083%); highest among the groups gnomAD compares: Non-Finnish European, 0.0011%; no homozygotes.

Submission:

Labcorp Genetics (formerly Invitae), Labcorp
Classification: Uncertain significance. Last evaluated: 2023-10-17. Review status: criteria provided, single submitter. Criteria: Invitae Variant Classification Sherloc (09022015). Collection method: clinical testing. Allele origin: germline.
Comment: This sequence change replaces asparagine, which is neutral and polar, with serine, which is neutral and polar, at codon 525 of the TOP2B protein (p.Asn525Ser). This variant is present in population databases (rs754151946, gnomAD 0.004%). This variant has not been reported in the literature in individuals affected with TOP2B-related conditions. An algorithm developed to predict the effect of missense changes on protein structure and function (PolyPhen-2) suggests that this variant is likely to be tolerated. In summary, the available evidence is currently insufficient to determine the role of this variant in disease. Therefore, it has been classified as a Variant of Uncertain Significance.

NM_001330700.2(TOP2B):c.1589A>G (p.Asn530Ser)

Gene: TOP2B (DNA topoisomerase II beta; minus strand). Cytogenetic location: 3p24.2.
Variant type: single nucleotide variant.
Coding change: c.1589A>G on transcript NM_001330700.2 (MANE Select); coding-DNA position 1589, A replaced by G.
Protein change: p.Asn530Ser; replaces asparagine 530 with serine.
Molecular consequence: missense variant.
Genome position (GRCh38, 1-based): chr3:25,630,129, T>C on the plus strand (A>G on the coding strand, the complement: TOP2B is on the minus strand). VCF-style: chr3-25630129-T-C. GRCh37 (hg19) VCF-style: chr3-25671620-T-C.
Other names: c.1574A>G, p.Asn525Ser (NM_001068.3); short protein forms N525S, N530S.
Identifiers: ClinVar variation 2908422 (VCV002908422.3), dbSNP rs754151946, ClinGen allele CA2288662.